The following is an entry in ClinVar:

ClinVar aggregate classification (germline): Uncertain significance (1 of 4 stars; one submission).

Conditions:
Neurodevelopmental disorder. Identifiers: MedGen C1535926, MeSH D065886, MONDO:0700092.

gnomAD v4.1: 19 of 1,613,876 alleles (0.0012%); highest among the groups gnomAD compares: Non-Finnish European, 0.0016%; no homozygotes.

Submission:

Victorian Clinical Genetics Services, Murdoch Childrens Research Institute
Classification: Uncertain significance for Neurodevelopmental disorder. Last evaluated: 2020-06-11. Review status: criteria provided, single submitter. Criteria: ACMG Guidelines, 2015. Collection method: clinical testing. Allele origin: germline. Inheritance: Autosomal dominant inheritance.
Comment: Based on the classification scheme VCGS_Germline_v1.1.1, this variant is classified as 3C-VUS. Following criteria are met: 0105 - The mechanism of disease for this gene is not clearly established. (N) 0107 - This gene is known to be associated with autosomal dominant disease. (N) 0200 - Variant is predicted to result in a missense amino acid change from proline to serine (exon 9). (N) 0251 - Variant is heterozygous. (N) 0301 - Variant is absent from gnomAD. (P) 0503 - Missense variant consistently predicted to be tolerated or not conserved in mammals with a minor amino acid change. (B) 0604 - Variant is not located in an established domain, motif, hotspot or informative constraint region. (N) 0705 - No comparable variants have previous evidence for pathogenicity. (N) 0807 - Variant has not previously been reported in a clinical context. (N) 0905 - No segregation evidence has been identified for this variant. (N) 1007 - No published functional evidence has been identified for this variant. (N) 1208 - Inheritance information for this variant is not currently available. (N) Legend: (P) - Pathogenic, (N) - Neutral, (B) - Benign

NM_006885.4(ZFHX3):c.5767C>T (p.Pro1923Ser)

Genes: ZFHX3 (zinc finger homeobox 3; minus strand), ZFHX3-AS1 (ZFHX3 antisense RNA 1; plus strand). Cytogenetic location: 16q22.2.
Variant type: single nucleotide variant.
Coding change: c.5767C>T on transcript NM_006885.4 (MANE Select); coding-DNA position 5767, C replaced by T.
Protein change: p.Pro1923Ser; replaces proline 1923 with serine.
Molecular consequence: missense variant.
Genome position (GRCh38, 1-based): chr16:72,796,915, G>A on the plus strand (C>T on the coding strand, the complement: ZFHX3 is on the minus strand). VCF-style: chr16-72796915-G-A. GRCh37 (hg19) VCF-style: chr16-72830814-G-A.
Other names: c.3025C>T, p.Pro1009Ser (NM_001164766.2); c.5767C>T, p.Pro1923Ser (NM_001386735.1); short protein forms P1009S, P1923S.
Identifiers: ClinVar variation 1805360 (VCV001805360.1), dbSNP rs2507405963, ClinGen allele CA396731982.